The following is an entry in ClinVar:

ClinVar aggregate classification (germline): Uncertain significance (1 of 4 stars; one submission).

Conditions:
Intellectual disability-microcephaly-strabismus-behavioral abnormalities syndrome. Also called: White-Sutton Syndrome. Identifiers: Orphanet 468678, MedGen C4225351, MONDO:0014606, OMIM 616364.

Submission:

Baylor Genetics
Classification: Uncertain significance for Intellectual disability-microcephaly-strabismus-behavioral abnormalities syndrome. Last evaluated: 2019-03-26. Review status: criteria provided, single submitter. Criteria: ACMG Guidelines, 2015. Collection method: clinical testing. Allele origin: unknown. Affected: yes.
Comment: This variant was determined to be of uncertain significance according to ACMG Guidelines, 2015 [PMID:25741868].

NM_015100.4(POGZ):c.4008T>G (p.Ile1336Met)

Gene: POGZ (pogo transposable element derived with ZNF domain; minus strand). Cytogenetic location: 1q21.3.
Variant type: single nucleotide variant.
Coding change: c.4008T>G on transcript NM_015100.4 (MANE Select); coding-DNA position 4008, T replaced by G.
Protein change: p.Ile1336Met; replaces isoleucine 1336 with methionine.
Molecular consequence: missense variant.
Genome position (GRCh38, 1-based): chr1:151,405,027, A>C on the plus strand (T>G on the coding strand, the complement: POGZ is on the minus strand). VCF-style: chr1-151405027-A-C. GRCh37 (hg19) VCF-style: chr1-151377503-A-C.
Other names: c.3981T>G, p.Ile1327Met (NM_001194937.2); c.3822T>G, p.Ile1274Met (NM_001194938.2); c.3723T>G, p.Ile1241Met (NM_145796.4); c.3849T>G, p.Ile1283Met (NM_207171.2); short protein forms I1327M, I1241M, I1274M, I1283M, I1336M.
Identifiers: ClinVar variation 1030408 (VCV001030408.1), dbSNP rs1010981331, ClinGen allele CA341935764.